The following is an entry in ClinVar:

ClinVar aggregate classification (germline): Likely pathogenic (1 of 4 stars; one submission).

Conditions:
Aicardi-Goutieres syndrome 6 (AGS6). Identifiers: Orphanet 51, MedGen C3539013, MONDO:0014007, OMIM 615010.
Symmetrical dyschromatosis of extremities (DSH). Also called: RETICULATE ACROPIGMENTATION OF DOHI; SYMMETRIC DYSCHROMATOSIS OF THE EXTREMITIES; Dyschromatosis symmetrica hereditaria; DYSCHROMATOSIS SYMMETRICA HEREDITARIA 1. Identifiers: Orphanet 41, MedGen C0406775, MONDO:0007483, OMIM 127400.

Submission:

Labcorp Genetics (formerly Invitae), Labcorp
Classification: Likely pathogenic for Aicardi-Goutieres syndrome 6; Symmetrical dyschromatosis of extremities. Last evaluated: 2022-07-12. Review status: criteria provided, single submitter. Criteria: Invitae Variant Classification Sherloc (09022015). Collection method: clinical testing. Allele origin: germline.
Comment: This sequence change affects an acceptor splice site in intron 2 of the ADAR gene. It is expected to disrupt RNA splicing. Variants that disrupt the donor or acceptor splice site typically lead to a loss of protein function (PMID: 16199547), and loss-of-function variants in ADAR are known to be pathogenic (PMID: 22974014). This variant is not present in population databases (gnomAD no frequency). This variant has not been reported in the literature in individuals affected with ADAR-related conditions. Algorithms developed to predict the effect of sequence changes on RNA splicing suggest that this variant may disrupt the consensus splice site. In summary, the currently available evidence indicates that the variant is pathogenic, but additional data are needed to prove that conclusively. Therefore, this variant has been classified as Likely Pathogenic.

Literature cited by the submitters: PubMed 16199547; PubMed 22974014.

NM_001111.5(ADAR):c.1602-2A>G

Gene: ADAR (adenosine deaminase RNA specific; minus strand). Cytogenetic location: 1q21.3.
Variant type: single nucleotide variant.
Coding change: c.1602-2A>G on transcript NM_001111.5 (MANE Select); the canonical splice acceptor site of the intron before coding-DNA position 1602, A replaced by G.
Molecular consequence: splice acceptor variant.
Genome position (GRCh38, 1-based): chr1:154,598,587, T>C on the plus strand (A>G on the coding strand, the complement: ADAR is on the minus strand). VCF-style: chr1-154598587-T-C. GRCh37 (hg19) VCF-style: chr1-154571063-T-C.
Other names: c.717-2A>G (NM_001365046.1, NM_001025107.3, NM_001365048.1 and 3 more transcripts); c.1629-2A>G (NM_001365045.1); c.1602-2A>G (NM_015841.4, NM_015840.4).
Identifiers: ClinVar variation 1993205 (VCV001993205.4), dbSNP rs2526615034, ClinGen allele CA342639756.
Genomic context (GRCh38, chr1:154,598,587, plus strand): 5'-TGCTTCCAGCTTCAGCTGGGGGAAACTCTCGGCCATTGATGACAACCTGGAATTTAAATC[T>C]TGACGGAAAGTGATTAGATGTGTGAACAGGAGTCTAGGTCACTCCTTCTGCCTTCTCCAA-3'